The following is an entry in ClinVar:

NM_015559.3(SETBP1):c.2679T>G (p.Ser893=)

Gene: SETBP1 (SET binding protein 1; plus strand). Cytogenetic location: 18q12.3.
Variant type: single nucleotide variant.
Coding change: c.2679T>G on transcript NM_015559.3 (MANE Select); coding-DNA position 2679, T replaced by G.
Protein change: p.Ser893=; no amino-acid change (serine 893 retained).
Molecular consequence: synonymous variant.
Genome position (GRCh38, 1-based): chr18:44,952,019, T>G. VCF-style: chr18-44952019-T-G. GRCh37 (hg19) VCF-style: chr18-42531984-T-G.
Other names: c.2679T>G, p.Ser893= (NM_001379141.1, NM_001379142.1, NM_001410862.1).
Identifiers: ClinVar variation 4809855 (VCV004809855.5).

ClinVar aggregate classification (germline): Benign/Likely benign. Review status: criteria provided, multiple submitters, no conflicts (2 of 4 stars). 2 submissions from 2 submitters: Benign (1); Likely benign (1). Last evaluated 2026-03-01.

gnomAD v4.1: 13 of 1,613,980 alleles (0.00081%); highest among the groups gnomAD compares: Admixed American, 0.01%; no homozygotes.

Submissions (2):

CeGaT Center for Human Genetics Tuebingen
Classification: Likely benign. Last evaluated: 2026-03-01. Review status: criteria provided, single submitter. Criteria: CeGaT Center For Human Genetics Tuebingen Variant Classification Criteria Version 2. Collection method: clinical testing. Allele origin: germline. Affected: yes. Observed: 1 variant allele.
Comment: SETBP1: BP4, BP7

Labcorp Genetics (formerly Invitae), Labcorp
Classification: Benign. Last evaluated: 2025-11-15. Review status: criteria provided, single submitter. Criteria: Invitae Variant Classification Sherloc (09022015). Collection method: clinical testing. Allele origin: germline.